The following is an entry in ClinVar:

ClinVar aggregate classification (germline): Likely pathogenic (1 of 4 stars; one submission).

Submission:

Labcorp Genetics (formerly Invitae), Labcorp
Classification: Likely pathogenic. Last evaluated: 2025-11-04. Review status: criteria provided, single submitter. Criteria: Invitae Variant Classification Sherloc (09022015). Collection method: clinical testing. Allele origin: germline.
Comment: This sequence change replaces aspartic acid, which is acidic and polar, with glycine, which is neutral and non-polar, at codon 306 of the ALPL protein (p.Asp306Gly). This variant is not present in population databases (gnomAD no frequency). This variant has not been reported in the literature in individuals affected with ALPL-related conditions. Invitae Evidence Modeling of protein sequence and biophysical properties (such as structural, functional, and spatial information, amino acid conservation, physicochemical variation, residue mobility, and thermodynamic stability) indicates that this missense variant is expected to disrupt ALPL protein function with a positive predictive value of 95%. This variant disrupts the p.Asp306 amino acid residue in ALPL. Other variant(s) that disrupt this residue have been determined to be pathogenic (internal data). This suggests that this residue is clinically significant, and that variants that disrupt this residue are likely to be disease-causing. In summary, the currently available evidence indicates that the variant is pathogenic, but additional data are needed to prove that conclusively. Therefore, this variant has been classified as Likely Pathogenic.

NM_000478.6(ALPL):c.917A>G (p.Asp306Gly)

Gene: ALPL (alkaline phosphatase, biomineralization associated; plus strand). Cytogenetic location: 1p36.12.
Variant type: single nucleotide variant.
Coding change: c.917A>G on transcript NM_000478.6 (MANE Select); coding-DNA position 917, A replaced by G.
Protein change: p.Asp306Gly; replaces aspartic acid 306 with glycine.
Molecular consequence: missense variant.
Genome position (GRCh38, 1-based): chr1:21,573,719, A>G. VCF-style: chr1-21573719-A-G. GRCh37 (hg19) VCF-style: chr1-21900212-A-G.
Other names: c.752A>G, p.Asp251Gly (NM_001127501.4); c.686A>G, p.Asp229Gly (NM_001177520.3); c.917A>G, p.Asp306Gly (NM_001369803.2, NM_001369804.2, NM_001369805.2); short protein forms D229G, D251G, D306G.
Identifiers: ClinVar variation 4799866 (VCV004799866.1).